The following is an entry in ClinVar:

ClinVar aggregate classification (germline): Likely benign (1 of 4 stars; one submission).

Allele frequency attached by ClinVar (database versions not stated): gnomAD exomes 0.00002; ExAC 0.00003.
gnomAD v4.1: 24 of 1,613,978 alleles (0.0015%); highest among the groups gnomAD compares: South Asian, 0.025%; no homozygotes.

Submission:

CeGaT Center for Human Genetics Tuebingen
Classification: Likely benign. Last evaluated: 2024-01-01. Review status: criteria provided, single submitter. Criteria: CeGaT Center For Human Genetics Tuebingen Variant Classification Criteria Version 2. Collection method: clinical testing. Allele origin: germline. Affected: yes. Observed: 1 variant allele.
Comment: ANK3: BP4, BP7

NM_020987.5(ANK3):c.11826G>A (p.Lys3942=)

Gene: ANK3 (ankyrin 3; minus strand). Cytogenetic location: 10q21.2.
Variant type: single nucleotide variant.
Coding change: c.11826G>A on transcript NM_020987.5 (MANE Select); coding-DNA position 11826, G replaced by A.
Protein change: p.Lys3942=; no amino-acid change (lysine 3942 retained).
Molecular consequence: synonymous variant. On other transcripts: intron variant (4).
Genome position (GRCh38, 1-based): chr10:60,069,055, C>T on the plus strand (G>A on the coding strand, the complement: ANK3 is on the minus strand). VCF-style: chr10-60069055-C-T. GRCh37 (hg19) VCF-style: chr10-61828813-C-T.
Other names: c.4388-1046G>A (NM_001204403.2); c.4409-1046G>A (NM_001204404.2); c.4406-1046G>A (NM_001320874.2); c.1808-1046G>A (NM_001149.4).
Identifiers: ClinVar variation 3026820 (VCV003026820.22), dbSNP rs769882086, ClinGen allele CA5511033.